The following is an entry in ClinVar:

ClinVar aggregate classification (germline): Conflicting classifications of pathogenicity. Review status: criteria provided, conflicting classifications (1 of 4 stars). 2 submissions from 2 submitters: Uncertain significance (1); Likely benign (1). Last evaluated 2025-10-11.

Allele frequency attached by ClinVar (database versions not stated): gnomAD 0.00003; gnomAD exomes 0.00007 and 0.00002; TOPMed 0.00004; ExAC 0.00005.
gnomAD v4.1: 35 of 1,612,862 alleles (0.0022%); highest among the groups gnomAD compares: Admixed American, 0.038%; no homozygotes.

Submissions (2):

Labcorp Genetics (formerly Invitae), Labcorp
Classification: Likely benign. Last evaluated: 2025-10-11. Review status: criteria provided, single submitter. Criteria: Invitae Variant Classification Sherloc (09022015). Collection method: clinical testing. Allele origin: germline.

GeneDx
Classification: Uncertain significance. Last evaluated: 2021-06-25. Review status: criteria provided, single submitter. Criteria: GeneDx Variant Classification Process June 2021. Collection method: clinical testing. Allele origin: germline. Affected: yes.
Comment: In silico analysis, which includes protein predictors and evolutionary conservation, supports a deleterious effect; Has not been previously published as pathogenic or benign to our knowledge; This variant is associated with the following publications: (PMID: 27535533)

NM_194248.3(OTOF):c.1699G>A (p.Ala567Thr)

Gene: OTOF (otoferlin; minus strand). Cytogenetic location: 2p23.3.
Variant type: single nucleotide variant.
Coding change: c.1699G>A on transcript NM_194248.3 (MANE Select); coding-DNA position 1699, G replaced by A.
Protein change: p.Ala567Thr; replaces alanine 567 with threonine.
Molecular consequence: missense variant.
Genome position (GRCh38, 1-based): chr2:26,480,890, C>T on the plus strand (G>A on the coding strand, the complement: OTOF is on the minus strand). VCF-style: chr2-26480890-C-T. GRCh37 (hg19) VCF-style: chr2-26703758-C-T.
Other names: c.1699G>A, p.Ala567Thr (NM_001287489.2); short protein forms A567T.
Identifiers: ClinVar variation 1215302 (VCV001215302.6), dbSNP rs771560305, ClinGen allele CA1564196.